The following is an entry in ClinVar:

NM_001042681.2(RERE):c.4608G>T (p.Trp1536Cys)

Gene: RERE (arginine-glutamic acid dipeptide repeats; minus strand). Cytogenetic location: 1p36.23.
Variant type: single nucleotide variant.
Coding change: c.4608G>T on transcript NM_001042681.2 (MANE Select); coding-DNA position 4608, G replaced by T.
Protein change: p.Trp1536Cys; replaces tryptophan 1536 with cysteine.
Molecular consequence: missense variant.
Genome position (GRCh38, 1-based): chr1:8,355,478, C>A on the plus strand (G>T on the coding strand, the complement: RERE is on the minus strand). VCF-style: chr1-8355478-C-A. GRCh37 (hg19) VCF-style: chr1-8415538-C-A.
Other names: c.2946G>T, p.Trp982Cys (NM_001042682.2); c.4608G>T, p.Trp1536Cys (NM_012102.4); short protein forms W1536C, W982C.
Identifiers: ClinVar variation 4082761 (VCV004082761.1).

ClinVar aggregate classification (germline): Uncertain significance (1 of 4 stars; one submission).

Submission:

GeneDx
Classification: Uncertain significance. Last evaluated: 2025-03-03. Review status: criteria provided, single submitter. Criteria: GeneDx Variant Classification Process June 2021. Collection method: clinical testing. Allele origin: germline. Affected: yes.
Comment: Not observed at significant frequency in large population cohorts (gnomAD); In silico analysis supports that this missense variant has a deleterious effect on protein structure/function; Has not been previously published as pathogenic or benign to our knowledge